The following continues an entry in ClinVar:

NM_000053.4(ATP7B):c.19_20del (p.Gln7fs)

Gene: ATP7B. ClinVar aggregate classification (germline): Conflicting classifications of pathogenicity. Pathogenic (4); Likely pathogenic (3); Uncertain significance (9).

Submissions 8 to 17 of 17:

Fulgent Genetics
Classification: Uncertain significance for Wilson disease. Last evaluated: 2024-04-20. Review status: criteria provided, single submitter. Criteria: ACMG Guidelines, 2015. Collection method: clinical testing. Allele origin: germline.

Laboratory of Medical Genetics, National & Kapodistrian University of Athens
Classification: Pathogenic for Wilson disease. Last evaluated: 2024-02-01. Review status: criteria provided, single submitter. Criteria: ACMG Guidelines, 2015. Collection method: curation. Allele origin: germline. Affected: no.

Neuberg Centre For Genomic Medicine, NCGM
Classification: Uncertain significance for Wilson disease. Last evaluated: 2023-03-01. Review status: criteria provided, single submitter. Criteria: ACMG Guidelines, 2015. Collection method: clinical testing. Allele origin: germline. Inheritance: Autosomal recessive inheritance. Affected: yes.
Comment: The frameshift c.19_20del(p.Gln7AspfsTer14) variant in ATP7B gene has been reported previously to be correlating with Wilson disease (Vrabelova et al. 2005), and has also been reported in both homozygous and compound heterozygous state in individuals asymptomatic for Wilson disease (Loudianos et al. 2016; Stalke et al. 2019). The p.Gln7AspfsTer14 variant is reported with an allele frequency of 0.02% in the gnomAD exomes database and is novel (not in any individuals) in 1000 Genomes database. This variant has been reported to the ClinVar database as Pathogenic / Likely Pathogenic / Uncertain Siginificance. This variant causes a frameshift starting with codon Glutamine 7, changes this amino acid to Aspartic Acid residue, and creates a premature Stop codon at position 14 of the new reading frame, denoted p.Gln7AspfsTer14. Loss of function variants have been previously reported to be disease causing. However, experimental evidence suggests that this variant's mRNA and protein is expressed in amounts comparable to the wild-type and the copper export capacity is also comparable to the wild-type, indicating that this variant is able to bypass non-sense mediated decay by translation reinitiation (Stalke et al. 2019). For these reasons, this variant is classified as a Variant of Uncertain Significance (VUS).

Genome-Nilou Lab
Classification: Likely pathogenic for Wilson disease. Last evaluated: 2021-08-10. Review status: criteria provided, single submitter. Criteria: ACMG Guidelines, 2015. Collection method: clinical testing. Allele origin: germline. Affected: no.

ARUP Laboratories, Molecular Genetics and Genomics, ARUP Laboratories
Classification: Uncertain significance. Last evaluated: 2017-11-27. Review status: criteria provided, single submitter. Criteria: ARUP Molecular Germline Variant Investigation Process. Collection method: clinical testing. Allele origin: germline.

CeGaT Center for Human Genetics Tuebingen
Classification: Likely pathogenic. Last evaluated: 2016-12-01. Review status: criteria provided, single submitter. Criteria: CeGaT Center For Human Genetics Tuebingen Variant Classification Criteria Version 2. Collection method: clinical testing. Allele origin: germline. Affected: yes. Observed: 1 variant allele.

Baylor Genetics
Classification: Uncertain significance for Wilson disease. Review status: criteria provided, single submitter. Criteria: ACMG Guidelines, 2015. Collection method: clinical testing. Allele origin: unknown.

Juno Genomics, Hangzhou Juno Genomics, Inc
Classification: Pathogenic for Wilson disease. Review status: criteria provided, single submitter. Criteria: ACMG Guidelines, 2015. Collection method: clinical testing. Allele origin: germline.
Comment: Absent from controls (or at extremely low frequency if recessive) in Genome Aggregation Database.;Null variant in a gene where loss of function (LOF) is a known mechanism of disease.;For recessive disorders, detected in trans with a pathogenic variant.;Patient's phenotype or family history is highly specific for a disease with a single genetic etiology.

Kariminejad - Najmabadi Pathology & Genetics Center
Classification: Pathogenic for Wilson disease. Review status: criteria provided, single submitter. Criteria: ACMG Guidelines, 2015. Collection method: clinical testing. Allele origin: germline. Affected: no.

Counsyl
Classification: Uncertain significance for Wilson disease. Last evaluated: 2017-05-30. Review status: no assertion criteria provided. Collection method: clinical testing. Allele origin: unknown. Not counted in ClinVar's aggregate classification.

Literature cited by the submitters: PubMed 18371106 (cited by Women's Health and Genetics/Laboratory Corporation of America, LabCorp and Counsyl); PubMed 15967699 (cited by 5 submitters); PubMed 26752957 (cited by 4 submitters); PubMed 23486543 (cited by Women's Health and Genetics/Laboratory Corporation of America, LabCorp); PubMed 29649982 (cited by Women's Health and Genetics/Laboratory Corporation of America, LabCorp); PubMed 30723317 (cited by 3 submitters); PubMed 33640437 (cited by Women's Health and Genetics/Laboratory Corporation of America, LabCorp); PubMed 37205945 (cited by Women's Health and Genetics/Laboratory Corporation of America, LabCorp); PubMed 10441329 (cited by Labcorp Genetics (formerly Invitae), Labcorp); PubMed 16283883 (cited by Labcorp Genetics (formerly Invitae), Labcorp); PubMed 34620762 (cited by Color Diagnostics, LLC DBA Color Health and All of Us Research Program, National Institutes of Health).